The following is an entry in ClinVar:

NM_001211.6(BUB1B):c.2648T>C (p.Leu883Ser)

Gene: BUB1B (BUB1 mitotic checkpoint serine/threonine kinase B; plus strand). Cytogenetic location: 15q15.1.
Variant type: single nucleotide variant.
Coding change: c.2648T>C on transcript NM_001211.6 (MANE Select); coding-DNA position 2648, T replaced by C.
Protein change: p.Leu883Ser; replaces leucine 883 with serine.
Molecular consequence: missense variant.
Genome position (GRCh38, 1-based): chr15:40,213,444, T>C. VCF-style: chr15-40213444-T-C. GRCh37 (hg19) VCF-style: chr15-40505645-T-C.
Other names: short protein forms L883S.
Identifiers: ClinVar variation 1448027 (VCV001448027.10), dbSNP rs2140908215, ClinGen allele CA391686489.
Genomic context (GRCh38, chr15:40,213,444, plus strand): 5'-TTTATAACCTTTTGACAATAGTGGAGATGCTACACAAAGCAGAAATAGTCCATGGTGACT[T>C]GAGTCCAAGGTGTCTGATTCTCAGAAACAGGTTGGTCCTTTTCATTCTTATAATTCTGCC-3'
Protein context (NP_001202.5, residues 873-893): LHKAEIVHGD[Leu883Ser]SPRCLILRNR

ClinVar aggregate classification (germline): Uncertain significance. Review status: criteria provided, multiple submitters, no conflicts (2 of 4 stars). 2 submissions from 2 submitters: Uncertain significance (2). Last evaluated 2022-10-27.

Conditions:
Inborn genetic diseases. Identifiers: MedGen C0950123, MeSH D030342.
Mosaic variegated aneuploidy syndrome 1 (MVA1). Also called: Warburton-Anyane-Yeboa syndrome. Identifiers: Orphanet 1052, MedGen C1850343, MONDO:0009759, OMIM 257300.

Allele frequency attached by ClinVar (database versions not stated): gnomAD exomes below 0.00001.
gnomAD v4.1: 2 of 1,614,210 alleles (0.00012%); highest among the groups gnomAD compares: Non-Finnish European, 0.00017%; no homozygotes.

Submissions (2):

Ambry Genetics
Classification: Uncertain significance for Inborn genetic diseases. Last evaluated: 2022-10-27. Review status: criteria provided, single submitter. Criteria: Ambry Variant Classification Scheme 2023. Collection method: clinical testing. Allele origin: germline.
Comment: The p.L883S variant (also known as c.2648T>C), located in coding exon 20 of the BUB1B gene, results from a T to C substitution at nucleotide position 2648. The leucine at codon 883 is replaced by serine, an amino acid with dissimilar properties. This amino acid position is conserved. In addition, this alteration is predicted to be deleterious by in silico analysis. Since supporting evidence is limited at this time, the clinical significance of this alteration remains unclear.

Labcorp Genetics (formerly Invitae), Labcorp
Classification: Uncertain significance for Mosaic variegated aneuploidy syndrome 1. Last evaluated: 2021-02-20. Review status: criteria provided, single submitter. Criteria: Invitae Variant Classification Sherloc (09022015). Collection method: clinical testing. Allele origin: germline.
Comment: Algorithms developed to predict the effect of missense changes on protein structure and function are either unavailable or do not agree on the potential impact of this missense change (SIFT: "Deleterious"; PolyPhen-2: "Probably Damaging"; Align-GVGD: "Class C0"). In summary, the available evidence is currently insufficient to determine the role of this variant in disease. Therefore, it has been classified as a Variant of Uncertain Significance. This variant has not been reported in the literature in individuals with BUB1B-related conditions. This variant is not present in population databases (ExAC no frequency). This sequence change replaces leucine with serine at codon 883 of the BUB1B protein (p.Leu883Ser). The leucine residue is moderately conserved and there is a large physicochemical difference between leucine and serine.